The following is an entry in ClinVar:

ClinVar aggregate classification (germline): Likely pathogenic (1 of 4 stars; one submission).

Conditions:
Polycystic kidney disease 4 (PKD4). Also called: PKD3; POLYCYSTIC KIDNEY AND HEPATIC DISEASE 1; POLYCYSTIC KIDNEY DISEASE, INFANTILE, TYPE I; POLYCYSTIC KIDNEY DISEASE 4 WITH OR WITHOUT POLYCYSTIC LIVER DISEASE; Autosomal Recessive Polycystic Kidney Disease – PKHD1. Identifiers: MedGen C4540575, MONDO:0033004, OMIM 263200.

Submission:

Centre for Mendelian Genomics, University Medical Centre Ljubljana
Classification: Likely pathogenic for Polycystic kidney disease 4. Last evaluated: 2018-12-27. Review status: criteria provided, single submitter. Criteria: ACMG Guidelines, 2015. Collection method: clinical testing. Allele origin: unknown. Affected: yes.
Comment: This variant was classified as: Likely pathogenic. The following ACMG criteria were applied in classifying this variant: PVS1,PM2.

NM_138694.4(PKHD1):c.429T>G (p.Tyr143Ter)

Gene: PKHD1 (PKHD1 ciliary IPT domain containing fibrocystin/polyductin; minus strand). Cytogenetic location: 6p12.2.
Variant type: single nucleotide variant.
Coding change: c.429T>G on transcript NM_138694.4 (MANE Select); coding-DNA position 429, T replaced by G.
Protein change: p.Tyr143Ter; replaces tyrosine 143 with a stop codon.
Molecular consequence: nonsense.
Genome position (GRCh38, 1-based): chr6:52,076,295, A>C on the plus strand (T>G on the coding strand, the complement: PKHD1 is on the minus strand). VCF-style: chr6-52076295-A-C. GRCh37 (hg19) VCF-style: chr6-51941093-A-C.
Other names: c.429T>G, p.Tyr143Ter (NM_170724.3); short protein forms Y143*.
Identifiers: ClinVar variation 931940 (VCV000931940.3), dbSNP rs1811318008, ClinGen allele CA364437872.
Genomic context (GRCh38, chr6:52,076,295, plus strand): 5'-CAGATTCACAATTATTCCTATTTTAATAGAAGATTTCTTACCTGGAACACCACTTGGTGG[A>C]TAAACTTGGTGAACGATGGGTGTCTGCGCCTTGGAAAACTGTTTAGAAAATAGTACCACA-3'